The following is an entry in ClinVar:

NC_000007.13:g.(?_21723382)_(21727165_?)del

Gene: DNAH11 (dynein axonemal heavy chain 11; plus strand). Cytogenetic location: 7p15.3.
Variant type: Deletion.
Identifiers: ClinVar variation 3245631 (VCV003245631.1).

ClinVar aggregate classification (germline): Pathogenic (1 of 4 stars; one submission).

Conditions:
Primary ciliary dyskinesia. Also called: Ciliary dyskinesia. Identifiers: Orphanet 244, MedGen C0008780, MONDO:0016575, HP:0012265.

Submission:

Labcorp Genetics (formerly Invitae), Labcorp
Classification: Pathogenic for Primary ciliary dyskinesia. Last evaluated: 2023-09-20. Review status: criteria provided, single submitter. Criteria: Invitae Variant Classification Sherloc (09022015). Collection method: clinical testing. Allele origin: unknown.
Comment: This variant is a gross deletion of the genomic region encompassing exon(s) 32-34 of the DNAH11 gene. This deletion is out-of-frame, and is expected to create a premature termination codon and result in an absent or disrupted protein product. Loss-of-function variants in DNAH11 are known to be pathogenic (PMID: 18022865, 20513915, 22184204). This variant has not been reported in the literature in individuals affected with DNAH11-related conditions. For these reasons, this variant has been classified as Pathogenic.

Literature cited by the submitters: PubMed 18022865; PubMed 20513915; PubMed 22184204.